The following is an entry in ClinVar:

ClinVar aggregate classification (germline): Uncertain significance (1 of 4 stars; one submission).

Conditions:
Pierson syndrome. Also called: MICROCORIA-CONGENITAL NEPHROTIC SYNDROME. Identifiers: Orphanet 2670, MedGen C1836876, MONDO:0012184, OMIM 609049.
LAMB2-related infantile-onset nephrotic syndrome. Also called: NEPHROTIC SYNDROME, TYPE 5, WITHOUT OCULAR ABNORMALITIES; NEPHROTIC SYNDROME, TYPE 5, WITH OCULAR ABNORMALITIES; Nephrotic Syndrome, type 5. Identifiers: Orphanet 306507, MedGen C3280113, MONDO:0013621, OMIM 614199.

Allele frequency attached by ClinVar (database versions not stated): gnomAD below 0.00001 and 0.00001; gnomAD exomes 0.00001; ExAC 0.00002.
gnomAD v4.1: 4 of 1,613,548 alleles (0.00025%); highest among the groups gnomAD compares: South Asian, 0.0044%; no homozygotes.

Submission:

Labcorp Genetics (formerly Invitae), Labcorp
Classification: Uncertain significance for LAMB2-related infantile-onset nephrotic syndrome; Pierson syndrome. Last evaluated: 2019-03-26. Review status: criteria provided, single submitter. Criteria: Invitae Variant Classification Sherloc (09022015). Collection method: clinical testing. Allele origin: germline.
Comment: This sequence change replaces alanine with valine at codon 64 of the LAMB2 protein (p.Ala64Val). The alanine residue is highly conserved and there is a small physicochemical difference between alanine and valine. This variant is present in population databases (rs766047117, ExAC 0.01%). This variant has not been reported in the literature in individuals with LAMB2-related conditions. Algorithms developed to predict the effect of missense changes on protein structure and function are either unavailable or do not agree on the potential impact of this missense change (SIFT: Deleterious; PolyPhen-2: Probably Damaging; Align-GVGD: Class C0). In summary, the available evidence is currently insufficient to determine the role of this variant in disease. Therefore, it has been classified as a Variant of Uncertain Significance.

NM_002292.4(LAMB2):c.191C>T (p.Ala64Val)

Gene: LAMB2 (laminin subunit beta 2; minus strand). Cytogenetic location: 3p21.31.
Variant type: single nucleotide variant.
Coding change: c.191C>T on transcript NM_002292.4 (MANE Select); coding-DNA position 191, C replaced by T.
Protein change: p.Ala64Val; replaces alanine 64 with valine.
Molecular consequence: missense variant.
Genome position (GRCh38, 1-based): chr3:49,132,549, G>A on the plus strand (C>T on the coding strand, the complement: LAMB2 is on the minus strand). VCF-style: chr3-49132549-G-A. GRCh37 (hg19) VCF-style: chr3-49169982-G-A.
Other names: short protein forms A64V.
Identifiers: ClinVar variation 837570 (VCV000837570.2), dbSNP rs766047117, ClinGen allele CA2395019.
Genomic context (GRCh38, chr3:49,132,549, plus strand): 5'-ACCTGCAGGTGACTGACGATGCAGTAGGGCTGGGGGCCATTCAGGCCACAAGTGGATGAG[G>A]CAGTCAGTCTGTCAGCTCGGCCCACCAGCAGGTCGCCCGTGGCGGGGTAGCAGCTTCCCC-3'
Protein context (NP_002283.3, residues 54-74): LLVGRADRLT[Ala64Val]SSTCGLNGPQ